The following is an entry in ClinVar:

ClinVar aggregate classification (germline): Uncertain significance (1 of 4 stars; one submission).

Conditions:
Joubert syndrome. Also called: CEREBELLOPARENCHYMAL DISORDER IV; JOUBERT-BOLTSHAUSER SYNDROME; Familial aplasia of the vermis. Identifiers: Orphanet 475, MedGen C5979921, MONDO:0018772.
Nephronophthisis. Also called: Juvenile Nephronophthisis. Identifiers: Orphanet 655, MedGen C0687120, MONDO:0019005, HP:0000090.
Meckel-Gruber syndrome. Also called: DYSENCEPHALIA SPLANCHNOCYSTICA; GRUBER SYNDROME; Dysencephalia splachnocystica. Identifiers: Orphanet 564, MedGen C0265215, MONDO:0018921.

Allele frequency attached by ClinVar (database versions not stated): gnomAD exomes 0.00001.
gnomAD v4.1: 16 of 1,595,058 alleles (0.001%); highest among the groups gnomAD compares: Non-Finnish European, 0.0014%; no homozygotes.

Submission:

Labcorp Genetics (formerly Invitae), Labcorp
Classification: Uncertain significance for Joubert syndrome; Meckel-Gruber syndrome; Nephronophthisis. Last evaluated: 2025-04-21. Review status: criteria provided, single submitter. Criteria: Invitae Variant Classification Sherloc (09022015). Collection method: clinical testing. Allele origin: germline.
Comment: This sequence change replaces asparagine, which is neutral and polar, with histidine, which is basic and polar, at codon 1426 of the CEP290 protein (p.Asn1426His). This variant is not present in population databases (gnomAD no frequency). This variant has not been reported in the literature in individuals affected with CEP290-related conditions. ClinVar contains an entry for this variant (Variation ID: 2172586). Invitae Evidence Modeling of protein sequence and biophysical properties (such as structural, functional, and spatial information, amino acid conservation, physicochemical variation, residue mobility, and thermodynamic stability) indicates that this missense variant is not expected to disrupt CEP290 protein function with a negative predictive value of 80%. In summary, the available evidence is currently insufficient to determine the role of this variant in disease. Therefore, it has been classified as a Variant of Uncertain Significance.

NM_025114.4(CEP290):c.4276A>C (p.Asn1426His)

Gene: CEP290 (centrosomal protein 290; minus strand). Cytogenetic location: 12q21.32.
Variant type: single nucleotide variant.
Coding change: c.4276A>C on transcript NM_025114.4 (MANE Select); coding-DNA position 4276, A replaced by C.
Protein change: p.Asn1426His; replaces asparagine 1426 with histidine.
Molecular consequence: missense variant.
Genome position (GRCh38, 1-based): chr12:88,086,417, T>G on the plus strand (A>C on the coding strand, the complement: CEP290 is on the minus strand). VCF-style: chr12-88086417-T-G. GRCh37 (hg19) VCF-style: chr12-88480194-T-G.
Other names: short protein forms N1426H.
Identifiers: ClinVar variation 2172586 (VCV002172586.2), dbSNP rs2500016487, ClinGen allele CA385997230.